The following is an entry in ClinVar:

ClinVar aggregate classification (germline): Likely benign. Review status: criteria provided, single submitter (1 of 4 stars). 2 submissions from 2 submitters: Likely benign (1). 1 of the submissions does not count toward it. Last evaluated 2025-11-22.

Conditions:
BBS12-related disorder. Also called: BBS12-related condition.
Bardet-Biedl syndrome (BBS). Identifiers: Orphanet 110, MedGen C0752166, MONDO:0015229.

gnomAD v4.1: 5 of 1,613,936 alleles (0.00031%); highest among the groups gnomAD compares: African/African-American, 0.004%; no homozygotes.

Submissions (2):

Labcorp Genetics (formerly Invitae), Labcorp
Classification: Likely benign for Bardet-Biedl syndrome. Last evaluated: 2025-11-22. Review status: criteria provided, single submitter. Criteria: Invitae Variant Classification Sherloc (09022015). Collection method: clinical testing. Allele origin: germline.

PreventionGenetics, part of Exact Sciences
Classification: Likely benign for BBS12-related condition. Last evaluated: 2022-03-10. Review status: no assertion criteria provided. Collection method: clinical testing. Allele origin: germline. Not counted in ClinVar's aggregate classification.
Comment: This variant is classified as likely benign based on ACMG/AMP sequence variant interpretation guidelines (Richards et al. 2015 PMID: 25741868, with internal and published modifications).

NM_152618.3(BBS12):c.39C>T (p.His13=)

Gene: BBS12 (Bardet-Biedl syndrome 12; plus strand). Cytogenetic location: 4q27.
Variant type: single nucleotide variant.
Coding change: c.39C>T on transcript NM_152618.3 (MANE Select); coding-DNA position 39, C replaced by T.
Protein change: p.His13=; no amino-acid change (histidine 13 retained).
Molecular consequence: synonymous variant.
Genome position (GRCh38, 1-based): chr4:122,741,931, C>T. VCF-style: chr4-122741931-C-T. GRCh37 (hg19) VCF-style: chr4-123663086-C-T.
Other names: c.39C>T, p.His13= (NM_001178007.2).
Identifiers: ClinVar variation 3355660 (VCV003355660.2).